The following is an entry in ClinVar:

ClinVar aggregate classification (germline): Uncertain significance (1 of 4 stars; one submission).

Allele frequency attached by ClinVar (database versions not stated): gnomAD 0.00001; gnomAD exomes 0.00001; ExAC 0.00004; 1000 Genomes Project 30x 0.00031; 1000 Genomes Project 0.00040.
gnomAD v4.1: 5 of 1,552,076 alleles (0.00032%); highest among the groups gnomAD compares: Admixed American, 0.0098%; no homozygotes.

Submission:

Labcorp Genetics (formerly Invitae), Labcorp
Classification: Uncertain significance. Last evaluated: 2022-02-03. Review status: criteria provided, single submitter. Criteria: Invitae Variant Classification Sherloc (09022015). Collection method: clinical testing. Allele origin: germline.
Comment: This variant has not been reported in the literature in individuals affected with KPNA7-related conditions. In summary, the available evidence is currently insufficient to determine the role of this variant in disease. Therefore, it has been classified as a Variant of Uncertain Significance. Algorithms developed to predict the effect of missense changes on protein structure and function (SIFT, PolyPhen-2, Align-GVGD) all suggest that this variant is likely to be tolerated. This variant is present in population databases (rs184331676, gnomAD 0.008%). This sequence change replaces proline, which is neutral and non-polar, with alanine, which is neutral and non-polar, at codon 371 of the KPNA7 protein (p.Pro371Ala).

NM_001145715.3(KPNA7):c.1111C>G (p.Pro371Ala)

Gene: KPNA7 (karyopherin subunit alpha 7; minus strand). Cytogenetic location: 7q22.1.
Variant type: single nucleotide variant.
Coding change: c.1111C>G on transcript NM_001145715.3 (MANE Select); coding-DNA position 1111, C replaced by G.
Protein change: p.Pro371Ala; replaces proline 371 with alanine.
Molecular consequence: missense variant.
Genome position (GRCh38, 1-based): chr7:99,184,952, G>C on the plus strand (C>G on the coding strand, the complement: KPNA7 is on the minus strand). VCF-style: chr7-99184952-G-C. GRCh37 (hg19) VCF-style: chr7-98782575-G-C.
Other names: short protein forms P371A.
Identifiers: ClinVar variation 1355180 (VCV001355180.8), dbSNP rs184331676, ClinGen allele CA4363142.